The following is an entry in ClinVar:

ClinVar aggregate classification (germline): Likely pathogenic (0 of 4 stars; one submission).

Conditions:
Chronic progressive multiple sclerosis. Identifiers: MedGen C0393665, MONDO:0005284.

Submission:

Demyelinating Disease Laboratories, VA Medical Center and University of Tennessee
Classification: Likely pathogenic. Review status: no assertion criteria provided. Collection method: not provided. Allele origin: somatic.
ClinVar note: Converted during submission from probable-pathogenic to Likely pathogenic.

NM_031157.4(HNRNPA1):c.979C>T (p.Pro327Ser)

Gene: HNRNPA1 (heterogeneous nuclear ribonucleoprotein A1; plus strand). Cytogenetic location: 12q13.13.
Variant type: single nucleotide variant.
Coding change: c.979C>T on transcript NM_031157.4 (MANE Select); coding-DNA position 979, C replaced by T.
Protein change: p.Pro327Ser; replaces proline 327 with serine.
Molecular consequence: missense variant. On other transcripts: non-coding transcript variant (1).
Genome position (GRCh38, 1-based): chr12:54,283,883, C>T. VCF-style: chr12-54283883-C-T. GRCh37 (hg19) VCF-style: chr12-54677667-C-T.
Other names: c.823C>T, p.Pro275Ser (NM_002136.4); short protein forms P327S, P275S.
Identifiers: ClinVar variation 135596 (VCV000135596.2), dbSNP rs483353029, ClinGen allele CA163047.